The following is an entry in ClinVar:

ClinVar aggregate classification (germline): Uncertain significance (1 of 4 stars; one submission).

Submission:

Labcorp Genetics (formerly Invitae), Labcorp
Classification: Uncertain significance. Last evaluated: 2020-06-16. Review status: criteria provided, single submitter. Criteria: Invitae Variant Classification Sherloc (09022015). Collection method: clinical testing. Allele origin: germline.
Comment: In summary, the available evidence is currently insufficient to determine the role of this variant in disease. Therefore, it has been classified as a Variant of Uncertain Significance. Algorithms developed to predict the effect of missense changes on protein structure and function are either unavailable or do not agree on the potential impact of this missense change (SIFT: "Tolerated"; PolyPhen-2: "Probably Damaging"; Align-GVGD: "Class C15"). This variant has not been reported in the literature in individuals with ARSG-related conditions. This variant is not present in population databases (ExAC no frequency). This sequence change replaces glycine with cysteine at codon 166 of the ARSG protein (p.Gly166Cys). The glycine residue is highly conserved and there is a large physicochemical difference between glycine and cysteine.

NM_001267727.2(ARSG):c.496G>T (p.Gly166Cys)

Gene: ARSG (arylsulfatase G; plus strand). Cytogenetic location: 17q24.2.
Variant type: single nucleotide variant.
Coding change: c.496G>T on transcript NM_001267727.2 (MANE Select); coding-DNA position 496, G replaced by T.
Protein change: p.Gly166Cys; replaces glycine 166 with cysteine.
Molecular consequence: missense variant.
Genome position (GRCh38, 1-based): chr17:68,351,616, G>T. VCF-style: chr17-68351616-G-T. GRCh37 (hg19) VCF-style: chr17-66347757-G-T.
Other names: c.496G>T, p.Gly166Cys (NM_001352899.2, NM_001352900.2, NM_001352901.2 and 8 more transcripts); c.448G>T, p.Gly150Cys (NM_001352909.2); short protein forms G150C, G166C.
Identifiers: ClinVar variation 1025885 (VCV001025885.8), dbSNP rs2078766303, ClinGen allele CA400741224.